The following is an entry in ClinVar:

NM_000268.4(NF2):c.600-154G>A

Gene: NF2 (NF2, moesin-ezrin-radixin like (MERLIN) tumor suppressor; plus strand). Cytogenetic location: 22q12.2.
Variant type: single nucleotide variant.
Coding change: c.600-154G>A on transcript NM_000268.4 (MANE Select); 154 bases into the intron before coding-DNA position 600, G replaced by A.
Molecular consequence: intron variant.
Genome position (GRCh38, 1-based): chr22:29,658,035, G>A. VCF-style: chr22-29658035-G-A. GRCh37 (hg19) VCF-style: chr22-30054024-G-A.
Other names: c.600-154G>A (NM_016418.5, NM_181832.3, NM_181825.3); c.447+15750G>A (NM_181833.3); c.477-154G>A (NM_181829.3); c.474-154G>A (NM_181828.3); c.351-154G>A (NM_181830.3, NM_181831.3).
Identifiers: ClinVar variation 676986 (VCV000676986.1), dbSNP rs2071622, ClinGen allele CA14937931.
Genomic context (GRCh38, chr22:29,658,035, plus strand): 5'-TCTTTTGATGGGGATGGGAAATTCTGCTTGACCTCAGTGTGTTTAATAGACTCAGGGCCG[G>A]GCAGAGCTTTGCTGGTGTCTGCTGTGGCTTTTGTCTTCTGGCAGCGACGTGGCTCTAGAG-3'

ClinVar aggregate classification (germline): Benign (1 of 4 stars; one submission).

Allele frequency attached by ClinVar (database versions not stated): 1000 Genomes Project 0.29972; 1000 Genomes Project 30x 0.30028; TOPMed 0.36742; gnomAD 0.37284 and 0.37687.
gnomAD v4.1: 56,734 of 151,910 alleles (37%); highest among the groups gnomAD compares: Non-Finnish European, 47%; 11,293 homozygotes.

Submission:

GeneDx
Classification: Benign. Last evaluated: 2018-06-18. Review status: criteria provided, single submitter. Criteria: GeneDx Variant Classification (06012015). Collection method: clinical testing. Allele origin: germline. Affected: yes.
Comment: This variant is considered likely benign or benign based on one or more of the following criteria: it is a conservative change, it occurs at a poorly conserved position in the protein, it is predicted to be benign by multiple in silico algorithms, and/or has population frequency not consistent with disease.